The following is an entry in ClinVar:

ClinVar aggregate classification (germline): Conflicting classifications of pathogenicity. Review status: criteria provided, conflicting classifications (1 of 4 stars). 3 submissions from 3 submitters: Uncertain significance (1); Likely benign (2). Last evaluated 2025-10-13.

Conditions:
WNK1-related disorder. Also called: WNK1-related condition.
Neuropathy, hereditary sensory and autonomic, type 2A (HSAN2A). Also called: HSAN IIA; WNK1-Related HSAN2 (HSAN2A); ACROOSTEOLYSIS, GIACCAI TYPE; ACROOSTEOLYSIS, NEUROGENIC; MORVAN DISEASE; NEUROPATHY, CONGENITAL SENSORY. Identifiers: Orphanet 970, MedGen C2752089, MONDO:0024309, OMIM 201300.
Pseudohypoaldosteronism type 2C (PHA2C). Also called: Pseudohypoaldosteronism Type IIC. Identifiers: Orphanet 757, Orphanet 88940, MedGen C1840391, MONDO:0013778, OMIM 614492.

Allele frequency attached by ClinVar (database versions not stated): gnomAD exomes 0.00003 and 0.00005; gnomAD 0.00004; ExAC 0.00005; TOPMed 0.00008.
gnomAD v4.1: 50 of 1,613,980 alleles (0.0031%); highest among the groups gnomAD compares: East Asian, 0.018%; 1 homozygote.

Submissions (3):

PreventionGenetics, part of Exact Sciences
Classification: Likely benign for WNK1-related condition. Last evaluated: 2025-10-13. Review status: criteria provided, single submitter. Criteria: ACMG Guidelines, 2015. Collection method: clinical testing. Allele origin: germline.
Comment: This variant is classified as likely benign based on ACMG/AMP sequence variant interpretation guidelines (Richards et al. 2015 PMID: 25741868, with internal and published modifications).

Fulgent Genetics
Classification: Uncertain significance for Neuropathy, hereditary sensory and autonomic, type 2A; Pseudohypoaldosteronism type 2C. Last evaluated: 2024-06-12. Review status: criteria provided, single submitter. Criteria: ACMG Guidelines, 2015. Collection method: clinical testing. Allele origin: germline.

Labcorp Genetics (formerly Invitae), Labcorp
Classification: Likely benign for Neuropathy, hereditary sensory and autonomic, type 2A; Pseudohypoaldosteronism type 2C. Last evaluated: 2023-05-01. Review status: criteria provided, single submitter. Criteria: Invitae Variant Classification Sherloc (09022015). Collection method: clinical testing. Allele origin: germline.

NM_018979.4(WNK1):c.5463G>A (p.Ala1821=)

Gene: WNK1 (WNK lysine deficient protein kinase 1; plus strand). Cytogenetic location: 12p13.33.
Variant type: single nucleotide variant.
Coding change: c.5463G>A on transcript NM_018979.4 (MANE Select); coding-DNA position 5463, G replaced by A.
Protein change: p.Ala1821=; no amino-acid change (alanine 1821 retained).
Molecular consequence: synonymous variant.
Genome position (GRCh38, 1-based): chr12:890,467, G>A. VCF-style: chr12-890467-G-A. GRCh37 (hg19) VCF-style: chr12-999633-G-A.
Other names: c.5463G>A (NM_018979.3); c.6243G>A, p.Ala2081= (NM_001184985.2); c.4722G>A, p.Ala1574= (NM_014823.3); c.6219G>A, p.Ala2073= (NM_213655.5).
Identifiers: ClinVar variation 1525821 (VCV001525821.10), dbSNP rs770977819, ClinGen allele CA6383197.
Genomic context (GRCh38, chr12:890,467, plus strand): 5'-GACTGAAGCTAAAGATTTGTGGTGTCTGTCTGTGTGTGTTTTACAGCCTGTGTCCATGGC[G>A]GCTCCAACAGCAATCACAGAAGCAGGAACACAGCCTCAGAAGGGTGGTGAGAAACATCCT-3'
Protein context (NP_061852.3, residues 1811-1831): VTSAVGPVSM[Ala1821=]APTAITEAGT